The following is an entry in ClinVar:

NM_057175.5(NAA15):c.33T>C (p.Asn11=)

Genes: NAA15 (N-alpha-acetyltransferase 15, NatA auxiliary subunit; plus strand), NDUFC1 (NADH:ubiquinone oxidoreductase subunit C1; minus strand). Cytogenetic location: 4q31.1.
Variant type: single nucleotide variant.
Coding change: c.33T>C on transcript NM_057175.5 (MANE Select); coding-DNA position 33, T replaced by C.
Protein change: p.Asn11=; no amino-acid change (asparagine 11 retained).
Molecular consequence: synonymous variant. On other transcripts: intron variant (4).
Genome position (GRCh38, 1-based): chr4:139,301,810, T>C. VCF-style: chr4-139301810-T-C. GRCh37 (hg19) VCF-style: chr4-140222964-T-C.
Other names: c.33T>C, p.Asn11= (NM_001410842.1); c.-159+606A>G (NM_001184990.1); c.-163+606A>G (NM_001184987.1); c.-199+606A>G (NM_001184988.1); c.-222+606A>G (NM_001184989.2).
Identifiers: ClinVar variation 4821521 (VCV004821521.4).

ClinVar aggregate classification (germline): Likely benign (1 of 4 stars; one submission).

gnomAD v4.1: 23 of 1,593,094 alleles (0.0014%); highest among the groups gnomAD compares: Non-Finnish European, 0.0019%; no homozygotes.

Submission:

CeGaT Center for Human Genetics Tuebingen
Classification: Likely benign. Last evaluated: 2026-03-01. Review status: criteria provided, single submitter. Criteria: CeGaT Center For Human Genetics Tuebingen Variant Classification Criteria Version 2. Collection method: clinical testing. Allele origin: germline. Affected: yes. Observed: 1 variant allele.
Comment: NAA15: BP4, BP7